The following is an entry in ClinVar:

NM_001130823.3(DNMT1):c.4001C>T (p.Ala1334Val)

Gene: DNMT1 (DNA methyltransferase 1; minus strand). Cytogenetic location: 19p13.2.
Variant type: single nucleotide variant.
Coding change: c.4001C>T on transcript NM_001130823.3 (MANE Select); coding-DNA position 4001, C replaced by T.
Protein change: p.Ala1334Val; replaces alanine 1334 with valine.
Molecular consequence: missense variant.
Genome position (GRCh38, 1-based): chr19:10,138,553, G>A on the plus strand (C>T on the coding strand, the complement: DNMT1 is on the minus strand). VCF-style: chr19-10138553-G-A. GRCh37 (hg19) VCF-style: chr19-10249229-G-A.
Other names: c.4001C>T (LRG_362t1); c.3953C>T, p.Ala1318Val (NM_001318730.2, NM_001379.4); c.3638C>T, p.Ala1213Val (NM_001318731.2); c.3953C>T (NM_001379.2); short protein forms A1334V, A1213V, A1318V.
Identifiers: ClinVar variation 245911 (VCV000245911.13), dbSNP rs766051225, ClinGen allele CA9187614.
Genomic context (GRCh38, chr19:10,138,553, plus strand): 5'-GCCCGGGGAGCAAACACGTGCAGTGGCTCCGGGAACAGAGGGAGCTTCTCTCCAGGGGCC[G>A]CGGCCAGGATGATGGCCCGCCTCCTAGTCTGGGCCACGCCGTACTGACCGGCCTGTGGGG-3'
Protein context (NP_001124295.1, residues 1324-1344): QTRRRAIILA[Ala1334Val]APGEKLPLFP

ClinVar aggregate classification (germline): Conflicting classifications of pathogenicity. Review status: criteria provided, conflicting classifications (1 of 4 stars). 5 submissions from 5 submitters: Uncertain significance (4); Likely benign (1). Last evaluated 2025-06-15.

Conditions:
Hereditary sensory neuropathy-deafness-dementia syndrome. Also called: HSN IE; NEUROPATHY, HEREDITARY SENSORY, WITH HEARING LOSS AND DEMENTIA; Hereditary sensory neuropathy type IE; Hereditary Sensory and Autonomic Neuropathy Type 1E (HSAN1E). Identifiers: Orphanet 456318, MedGen C3279885, MONDO:0013584, OMIM 614116.
Autosomal dominant cerebellar ataxia, deafness and narcolepsy. Also called: Autosomal Dominant Cerebellar Ataxia, Deafness, and Narcolepsy (ADCA-DN). Identifiers: Orphanet 314404, MedGen C4302668, MONDO:0011397, OMIM 604121.
Inborn genetic diseases. Identifiers: MedGen C0950123, MeSH D030342.

Allele frequency attached by ClinVar (database versions not stated): gnomAD 0.00001 and 0.00005; gnomAD exomes 0.00004 and 0.00005; ExAC 0.00005; TOPMed 0.00007.
gnomAD v4.1: 70 of 1,610,746 alleles (0.0043%); highest among the groups gnomAD compares: South Asian, 0.031%; no homozygotes.

Submissions (5):

Labcorp Genetics (formerly Invitae), Labcorp
Classification: Uncertain significance for Hereditary sensory neuropathy-deafness-dementia syndrome. Last evaluated: 2025-06-15. Review status: criteria provided, single submitter. Criteria: Invitae Variant Classification Sherloc (09022015). Collection method: clinical testing. Allele origin: germline.
Comment: This sequence change replaces alanine, which is neutral and non-polar, with valine, which is neutral and non-polar, at codon 1334 of the DNMT1 protein (p.Ala1334Val). This variant is present in population databases (rs766051225, gnomAD 0.04%). This missense change has been observed in individual(s) with clinical features of facioscapulohumeral dystrophy (PMID: 37674478). ClinVar contains an entry for this variant (Variation ID: 245911). Invitae Evidence Modeling of protein sequence and biophysical properties (such as structural, functional, and spatial information, amino acid conservation, physicochemical variation, residue mobility, and thermodynamic stability) indicates that this missense variant is expected to disrupt DNMT1 protein function with a positive predictive value of 80%. In summary, the available evidence is currently insufficient to determine the role of this variant in disease. Therefore, it has been classified as a Variant of Uncertain Significance.

GeneDx
Classification: Uncertain significance. Last evaluated: 2024-10-08. Review status: criteria provided, single submitter. Criteria: GeneDx Variant Classification Process June 2021. Collection method: clinical testing. Allele origin: germline. Affected: yes.
Comment: In silico analysis supports that this missense variant has a deleterious effect on protein structure/function; This variant is associated with the following publications: (PMID: 37674478)

Ambry Genetics
Classification: Likely benign for Inborn genetic diseases. Last evaluated: 2023-01-09. Review status: criteria provided, single submitter. Criteria: Ambry Variant Classification Scheme 2023. Collection method: clinical testing. Allele origin: germline.

Department of Pathology and Laboratory Medicine, Sinai Health System
Classification: Uncertain significance for autosomal dominant cerebellar ataxia, deafness and narcolepsy. Last evaluated: 2022-07-11. Review status: criteria provided, single submitter. Criteria: ACMG Guidelines, 2015. Collection method: research. Allele origin: germline.

Fulgent Genetics
Classification: Uncertain significance for Autosomal dominant cerebellar ataxia, deafness and narcolepsy; Hereditary sensory neuropathy-deafness-dementia syndrome. Last evaluated: 2021-11-24. Review status: criteria provided, single submitter. Criteria: ACMG Guidelines, 2015. Collection method: clinical testing. Allele origin: unknown.

Literature cited by the submitters: PubMed 37674478 (cited by Labcorp Genetics (formerly Invitae), Labcorp).